The following is an entry in ClinVar:

NM_000088.4(COL1A1):c.762A>C (p.Gly254=)

Genes: COL1A1 (collagen type I alpha 1 chain; minus strand), LOC126862586 (CDK7 strongly-dependent group 2 enhancer GRCh37_chr17:48273702-48274901; plus strand). Cytogenetic location: 17q21.33.
Variant type: single nucleotide variant.
Coding change: c.762A>C on transcript NM_000088.4 (MANE Select); coding-DNA position 762, A replaced by C.
Protein change: p.Gly254=; no amino-acid change (glycine 254 retained).
Molecular consequence: synonymous variant.
Genome position (GRCh38, 1-based): chr17:50,197,052, T>G on the plus strand (A>C on the coding strand, the complement: COL1A1 is on the minus strand). VCF-style: chr17-50197052-T-G. GRCh37 (hg19) VCF-style: chr17-48274413-T-G.
Identifiers: ClinVar variation 4987061 (VCV004987061.1).

ClinVar aggregate classification (germline): Likely benign (1 of 4 stars; one submission).

Conditions:
COL1A1-related disorder. Also called: COL1A1- related disease; COL1A1-related condition.

gnomAD v4.1: 10 of 1,613,926 alleles (0.00062%); highest among the groups gnomAD compares: East Asian, 0.02%; no homozygotes.

Submission:

PreventionGenetics, part of Exact Sciences
Classification: Likely benign for COL1A1-related condition. Last evaluated: 2025-10-20. Review status: criteria provided, single submitter. Criteria: ACMG Guidelines, 2015. Collection method: clinical testing. Allele origin: germline.
Comment: This variant is classified as likely benign based on ACMG/AMP sequence variant interpretation guidelines (Richards et al. 2015 PMID: 25741868, with internal and published modifications).